The following is an entry in ClinVar:

NM_016239.4(MYO15A):c.6091C>A (p.Pro2031Thr)

Gene: MYO15A (myosin XVA; plus strand). Cytogenetic location: 17p11.2.
Variant type: single nucleotide variant.
Coding change: c.6091C>A on transcript NM_016239.4 (MANE Select); coding-DNA position 6091, C replaced by A.
Protein change: p.Pro2031Thr; replaces proline 2031 with threonine.
Molecular consequence: missense variant.
Genome position (GRCh38, 1-based): chr17:18,143,914, C>A. VCF-style: chr17-18143914-C-A. GRCh37 (hg19) VCF-style: chr17-18047228-C-A.
Other names: short protein forms P2031T.
Identifiers: ClinVar variation 3363356 (VCV003363356.1).
Genomic context (GRCh38, chr17:18,143,914, plus strand): 5'-CCTCCTCTTTCCACAGGCCTCGGGCTGGCCCAGGTGCCTCAGGTGGCCCCTGTGAGGACT[C>A]CTCGACTCCAGGCTGAGCCCCGTGTCACACTGCCCCTGGACATCAACAACTATCCTATGG-3'
Protein context (NP_057323.3, residues 2021-2041): QVPQVAPVRT[Pro2031Thr]RLQAEPRVTL

ClinVar aggregate classification (germline): Uncertain significance (1 of 4 stars; one submission).

gnomAD v4.1: 4 of 1,603,022 alleles (0.00025%); highest among the groups gnomAD compares: Admixed American, 0.0068%; no homozygotes.

Submission:

GeneDx
Classification: Uncertain significance. Last evaluated: 2023-10-27. Review status: criteria provided, single submitter. Criteria: GeneDx Variant Classification Process June 2021. Collection method: clinical testing. Allele origin: germline. Affected: yes.
Comment: In silico analysis supports that this missense variant has a deleterious effect on protein structure/function; Has not been previously published as pathogenic or benign to our knowledge